The following is an entry in ClinVar:

ClinVar aggregate classification (germline): Uncertain significance (1 of 4 stars; one submission).

Conditions:
Charcot-Marie-Tooth disease type 2. Also called: Charcot-Marie-Tooth type 2. Identifiers: Orphanet 64746, MedGen C0270914, MONDO:0018993.

Submission:

Labcorp Genetics (formerly Invitae), Labcorp
Classification: Uncertain significance for Charcot-Marie-Tooth disease type 2. Last evaluated: 2024-01-25. Review status: criteria provided, single submitter. Criteria: Invitae Variant Classification Sherloc (09022015). Collection method: clinical testing. Allele origin: germline.
Comment: This sequence change replaces leucine, which is neutral and non-polar, with proline, which is neutral and non-polar, at codon 961 of the AARS protein (p.Leu961Pro). This variant is not present in population databases (gnomAD no frequency). This variant has not been reported in the literature in individuals affected with AARS-related conditions. An algorithm developed to predict the effect of missense changes on protein structure and function (PolyPhen-2) suggests that this variant is likely to be disruptive. In summary, the available evidence is currently insufficient to determine the role of this variant in disease. Therefore, it has been classified as a Variant of Uncertain Significance.

NM_001605.3(AARS1):c.2882T>C (p.Leu961Pro)

Gene: AARS1 (alanyl-tRNA synthetase 1; minus strand). Cytogenetic location: 16q22.1.
Variant type: single nucleotide variant.
Coding change: c.2882T>C on transcript NM_001605.3 (MANE Select); coding-DNA position 2882, T replaced by C.
Protein change: p.Leu961Pro; replaces leucine 961 with proline.
Molecular consequence: missense variant.
Genome position (GRCh38, 1-based): chr16:70,252,746, A>G on the plus strand (T>C on the coding strand, the complement: AARS1 is on the minus strand). VCF-style: chr16-70252746-A-G. GRCh37 (hg19) VCF-style: chr16-70286649-A-G.
Other names: short protein forms L961P.
Identifiers: ClinVar variation 2693783 (VCV002693783.3), dbSNP rs2506986510, ClinGen allele CA396553547.
Genomic context (GRCh38, chr16:70,252,746, plus strand): 5'-CGGATGGATCCAGTGGGAGCCTCCTCCTTCCCCACTCAGTTCTTTACATCCCCGAGGCGC[A>G]GCTGGGCGAAGGAAGTGGCCAGCTGCAGCGCCTCCTGCAGGCAGCCAACGTTCTTGCCTG-3'
Protein context (NP_001596.2, residues 951-968): ALQLATSFAQ[Leu961Pro]RLGDVKN